The following is an entry in ClinVar:

ClinVar aggregate classification (germline): Uncertain significance. Review status: criteria provided, multiple submitters, no conflicts (2 of 4 stars). 2 submissions from 2 submitters: Uncertain significance (2). Last evaluated 2024-04-16.

Allele frequency attached by ClinVar (database versions not stated): gnomAD exomes below 0.00001 and 0.00005; TOPMed below 0.00001; ExAC 0.00001.

Submissions (2):

Labcorp Genetics (formerly Invitae), Labcorp
Classification: Uncertain significance. Last evaluated: 2024-04-16. Review status: criteria provided, single submitter. Criteria: Invitae Variant Classification Sherloc (09022015). Collection method: clinical testing. Allele origin: germline.
Comment: This sequence change replaces serine, which is neutral and polar, with arginine, which is basic and polar, at codon 348 of the CLCC1 protein (p.Ser348Arg). This variant is present in population databases (rs746713662, gnomAD 0.001%). This variant has not been reported in the literature in individuals affected with CLCC1-related conditions. ClinVar contains an entry for this variant (Variation ID: 1375206). An algorithm developed to predict the effect of missense changes on protein structure and function (PolyPhen-2) suggests that this variant is likely to be disruptive. In summary, the available evidence is currently insufficient to determine the role of this variant in disease. Therefore, it has been classified as a Variant of Uncertain Significance.

Ambry Genetics
Classification: Uncertain significance. Last evaluated: 2024-03-28. Review status: criteria provided, single submitter. Criteria: Ambry Variant Classification Scheme 2023. Collection method: clinical testing. Allele origin: germline.

NM_001377458.1(CLCC1):c.1044T>G (p.Ser348Arg)

Gene: CLCC1 (chloride channel CLIC like 1; minus strand). Cytogenetic location: 1p13.3.
Variant type: single nucleotide variant.
Coding change: c.1044T>G on transcript NM_001377458.1 (MANE Select); coding-DNA position 1044, T replaced by G.
Protein change: p.Ser348Arg; replaces serine 348 with arginine.
Molecular consequence: missense variant. On other transcripts: non-coding transcript variant (1).
Genome position (GRCh38, 1-based): chr1:108,937,416, A>C on the plus strand (T>G on the coding strand, the complement: CLCC1 is on the minus strand). VCF-style: chr1-108937416-A-C. GRCh37 (hg19) VCF-style: chr1-109480038-A-C.
Other names: c.1044T>G (NM_001048210.1); c.1044T>G, p.Ser348Arg (NM_001048210.3, NM_001377459.1, NM_001377460.1 and 8 more transcripts); c.681T>G, p.Ser227Arg (NM_001278202.2); c.489T>G, p.Ser163Arg (NM_001278203.1); c.942T>G, p.Ser314Arg (NM_001377469.1); c.753T>G, p.Ser251Arg (NM_001377470.1); c.894T>G, p.Ser298Arg (NM_015127.5); short protein forms S348R, S251R, S298R, S163R, S314R, S227R.
Identifiers: ClinVar variation 1375206 (VCV001375206.8), dbSNP rs746713662, ClinGen allele CA983407.